The following is an entry in ClinVar:

ClinVar aggregate classification (germline): Uncertain significance (1 of 4 stars; one submission).

Conditions:
Tuberous sclerosis 1 (TSC1). Identifiers: Orphanet 805, MedGen C1854465, MONDO:0008612, OMIM 191100.

Allele frequency attached by ClinVar (database versions not stated): gnomAD exomes below 0.00001.
gnomAD v4.1: 2 of 1,614,188 alleles (0.00012%); highest among the groups gnomAD compares: Admixed American, 0.0017%; no homozygotes.

Submission:

Labcorp Genetics (formerly Invitae), Labcorp
Classification: Uncertain significance for Tuberous sclerosis 1. Last evaluated: 2020-09-09. Review status: criteria provided, single submitter. Criteria: Invitae Variant Classification Sherloc (09022015). Collection method: clinical testing. Allele origin: germline.
Comment: Algorithms developed to predict the effect of missense changes on protein structure and function (SIFT, PolyPhen-2, Align-GVGD) all suggest that this variant is likely to be tolerated, but these predictions have not been confirmed by published functional studies and their clinical significance is uncertain. In summary, the available evidence is currently insufficient to determine the role of this variant in disease. Therefore, it has been classified as a Variant of Uncertain Significance. This variant has not been reported in the literature in individuals with TSC1-related conditions. This variant is not present in population databases (ExAC no frequency). This sequence change replaces alanine with glycine at codon 657 of the TSC1 protein (p.Ala657Gly). The alanine residue is moderately conserved and there is a small physicochemical difference between alanine and glycine.

NM_000368.5(TSC1):c.1970C>G (p.Ala657Gly)

Gene: TSC1 (TSC complex subunit 1; minus strand). Cytogenetic location: 9q34.13.
Variant type: single nucleotide variant.
Coding change: c.1970C>G on transcript NM_000368.5 (MANE Select); coding-DNA position 1970, C replaced by G.
Protein change: p.Ala657Gly; replaces alanine 657 with glycine.
Molecular consequence: missense variant.
Genome position (GRCh38, 1-based): chr9:132,905,608, G>C on the plus strand (C>G on the coding strand, the complement: TSC1 is on the minus strand). VCF-style: chr9-132905608-G-C. GRCh37 (hg19) VCF-style: chr9-135780995-G-C.
Other names: c.1967C>G, p.Ala656Gly (NM_001162426.2); c.1817C>G, p.Ala606Gly (NM_001162427.2); c.1607C>G, p.Ala536Gly (NM_001362177.2); short protein forms A656G, A657G, A536G, A606G.
Identifiers: ClinVar variation 970538 (VCV000970538.9), dbSNP rs1845606482, ClinGen allele CA375362333.